The following is an entry in ClinVar:

NC_000009.11:g.(?_13136071)_(13136201_?)del

Gene: MPDZ (multiple PDZ domain crumbs cell polarity complex component; minus strand). Cytogenetic location: 9p23.
Variant type: Deletion.
Identifiers: ClinVar variation 1071173 (VCV001071173.6).

ClinVar aggregate classification (germline): Pathogenic (1 of 4 stars; one submission).

Submission:

Labcorp Genetics (formerly Invitae), Labcorp
Classification: Pathogenic. Last evaluated: 2023-10-14. Review status: criteria provided, single submitter. Criteria: Invitae Variant Classification Sherloc (09022015). Collection method: clinical testing. Allele origin: germline.
Comment: This variant is a gross deletion of the genomic region encompassing exon(s) 31 of the MPDZ gene. This deletion is out-of-frame, and is expected to create a premature termination codon and result in an absent or disrupted protein product. Loss-of-function variants in MPDZ are known to be pathogenic (PMID: 23240096, 28556411). This variant has not been reported in the literature in individuals affected with MPDZ-related conditions. For these reasons, this variant has been classified as Pathogenic.

Literature cited by the submitters: PubMed 23240096; PubMed 28556411.